The following is an entry in ClinVar:

NM_005523.6(HOXA11):c.531GGC[4] (p.Ala183del)

Genes: HOXA11 (homeobox A11; minus strand), LOC107126281 (NUP98-HOXA11 recombination region; plus strand). Cytogenetic location: 7p15.2.
Variant type: Microsatellite.
Coding change: c.531GGC[4] on transcript NM_005523.6 (MANE Select); four copies in a row of the 3-base unit GGC starting at c.531; the reference has five copies in a row; one copy, 3 bases deleted.
Protein change: p.Ala183del; deletes alanine 183.
Molecular consequence: inframe indel (on NM_005523.5).
Genome position (GRCh38, 1-based): chr7:27,184,600-27,184,602, GCC deleted on the plus strand (GGC on the coding strand, the reverse complement: HOXA11 is on the minus strand); deleting any 3 consecutive bases within chr7:27,184,600-27,184,616 gives the same sequence; the position shown is the placement nearest the transcript's 3' end. VCF-style (leftmost placement, unchanged base first): chr7-27184599-AGCC-A. GRCh37 (hg19) VCF-style: chr7-27224218-AGCC-A.
Other names: c.543_545delGGC (NM_005523.5); c.529_531GCG[4], p.Ala183del (NM_005523.5); short protein forms A183del.
Identifiers: ClinVar variation 3056914 (VCV003056914.3), dbSNP rs770195077, ClinGen allele CA4198385.

ClinVar aggregate classification (germline): Likely benign. Review status: criteria provided, single submitter (1 of 4 stars). 2 submissions from 2 submitters: Likely benign (1). 1 of the submissions does not count toward it. Last evaluated 2024-06-21.

Conditions:
HOXA11-related disorder. Also called: HOXA11-related condition.

Submissions (2):

Blueprint Genetics
Classification: Likely benign. Last evaluated: 2024-06-21. Review status: criteria provided, single submitter. Criteria: ACMG Guidelines, 2015. Collection method: clinical testing. Allele origin: germline.

PreventionGenetics, part of Exact Sciences
Classification: Likely benign for HOXA11-related condition. Last evaluated: 2019-09-12. Review status: no assertion criteria provided. Collection method: clinical testing. Allele origin: germline. Not counted in ClinVar's aggregate classification.
Comment: This variant is classified as likely benign based on ACMG/AMP sequence variant interpretation guidelines (Richards et al. 2015 PMID: 25741868, with internal and published modifications).